The following is an entry in ClinVar:

NM_000044.6(AR):c.1988C>G (p.Ser663Ter)

Gene: AR (androgen receptor; plus strand). Cytogenetic location: Xq12.
Variant type: single nucleotide variant.
Coding change: c.1988C>G on transcript NM_000044.6 (MANE Select); coding-DNA position 1988, C replaced by G.
Protein change: p.Ser663Ter; replaces serine 663 with a stop codon.
Molecular consequence: nonsense.
Genome position (GRCh38, 1-based): chrX:67,711,504, C>G. VCF-style: chrX-67711504-C-G. GRCh37 (hg19) VCF-style: chrX-66931346-C-G.
Other names: c.392C>G, p.Ser131Ter (NM_001011645.3); short protein forms S131*, S663*.
Identifiers: ClinVar variation 4888322 (VCV004888322.1).
Genomic context (GRCh38, chrX:67,711,504, plus strand): 5'-AAGGAGAGGCTTCCAGCACCACCAGCCCCACTGAGGAGACAACCCAGAAGCTGACAGTGT[C>G]ACACATTGAAGGCTATGAATGTCAGCCCATCTTTCTGAATGTCCTGGAAGCCATTGAGCC-3'

ClinVar aggregate classification (germline): Pathogenic (1 of 4 stars; one submission).

Conditions:
Androgen resistance syndrome (AIS). Also called: TESTICULAR FEMINIZATION SYNDROME; Androgen insensitivity; Androgen insensitivity syndrome due to coactivator deficiency; Androgen insensitivity, complete; DHTR DEFICIENCY; ANDROGEN RECEPTOR DEFICIENCY. Identifiers: Orphanet 754, Orphanet 99429, MedGen C0039585, MONDO:0019154, OMIM 300068. Disease mechanism: loss of function.

Submission:

New York Genome Center
Classification: Pathogenic for Androgen resistance syndrome. Last evaluated: 2024-09-05. Review status: criteria provided, single submitter. Criteria: NYGC Assertion Criteria 2020. Collection method: clinical testing. Allele origin: inherited. Observed: 1 variant allele, 1 heterozygote.
Comment: The hemizygous c.1988C>G variant in AR has not previously been reported in the literature or public variant repositories (ClinVar and HGMD) and is absent from the gnomAD v4.1.0. population database, suggesting it is not a common benign variant in the populations represented in that database. The c.1988C>G variant in AR is located in exon 4 of this 8-exon AO150gene, predicted to incorporate a premature translation termination codon p.(Ser663Ter), and is expected to result in loss-of-function via nonsense mediated decay. Multiple loss-of-function variants that are downstream to the c.1988C>G variant have been reported in the literature [PMID:25613104, 31499074] and ClinVar [ClinVar IDs: # 9807, # 1342730] in individuals with AR- related androgen insensitivity syndrome. Based on available evidence this hemizygous c.1988C>G, p. (Ser663Ter) variant identified in AR is classified as Likely Pathogenic.